The following is an entry in ClinVar:

ClinVar aggregate classification (germline): Uncertain significance. Review status: criteria provided, multiple submitters, no conflicts (2 of 4 stars). 2 submissions from 2 submitters: Uncertain significance (2). Last evaluated 2025-08-06.

Allele frequency attached by ClinVar (database versions not stated): TOPMed below 0.00001; gnomAD 0.00003; 1000 Genomes Project 30x 0.00016; ExAC 0.00027; 1000 Genomes Project 0.00040.
gnomAD v4.1: 84 of 1,604,172 alleles (0.0052%); highest among the groups gnomAD compares: South Asian, 0.067%; 1 homozygote.

Submissions (2):

Ambry Genetics
Classification: Uncertain significance. Last evaluated: 2025-08-06. Review status: criteria provided, single submitter. Criteria: Ambry Variant Classification Scheme 2023. Collection method: clinical testing. Allele origin: germline.

Labcorp Genetics (formerly Invitae), Labcorp
Classification: Uncertain significance. Last evaluated: 2025-01-02. Review status: criteria provided, single submitter. Criteria: Invitae Variant Classification Sherloc (09022015). Collection method: clinical testing. Allele origin: germline.
Comment: This sequence change replaces alanine, which is neutral and non-polar, with threonine, which is neutral and polar, at codon 2022 of the DSCAML1 protein (p.Ala2022Thr). This variant is present in population databases (rs532349976, gnomAD 0.07%), and has an allele count higher than expected for a pathogenic variant. This variant has not been reported in the literature in individuals affected with DSCAML1-related conditions. ClinVar contains an entry for this variant (Variation ID: 2187813). An algorithm developed to predict the effect of missense changes on protein structure and function outputs the following: PolyPhen-2: "Benign". The threonine amino acid residue is found in multiple mammalian species, which suggests that this missense change does not adversely affect protein function. In summary, the available evidence is currently insufficient to determine the role of this variant in disease. Therefore, it has been classified as a Variant of Uncertain Significance.

NM_020693.4(DSCAML1):c.5884G>A (p.Ala1962Thr)

Gene: DSCAML1 (DS cell adhesion molecule like 1; minus strand). Cytogenetic location: 11q23.3.
Variant type: single nucleotide variant.
Coding change: c.5884G>A on transcript NM_020693.4 (MANE Select); coding-DNA position 5884, G replaced by A.
Protein change: p.Ala1962Thr; replaces alanine 1962 with threonine.
Molecular consequence: missense variant.
Genome position (GRCh38, 1-based): chr11:117,428,606, C>T on the plus strand (G>A on the coding strand, the complement: DSCAML1 is on the minus strand). VCF-style: chr11-117428606-C-T. GRCh37 (hg19) VCF-style: chr11-117299322-C-T.
Other names: c.6064G>A (NM_020693.2); short protein forms A1962T.
Identifiers: ClinVar variation 2187813 (VCV002187813.6), dbSNP rs532349976, ClinGen allele CA6295939.
Genomic context (GRCh38, chr11:117,428,606, plus strand): 5'-CGGCTGGGGGGGCTGGCATGGCCAGAGTCCTCTGAGGTAAGGTGGCTGTGGAGGCGGCAG[C>T]GGGGGCCCCTGGGTGGGGAAGGCCCAAGGACTTGCTGGCAGGGTCCAGGGTCAGGTGGCG-3'
Protein context (NP_065744.3, residues 1952-1972): SLGLPHPGAP[Ala1962Thr]AASTATLPQR